The following is an entry in ClinVar:

NM_000158.4(GBE1):c.1237-18C>T

Gene: GBE1 (1,4-alpha-glucan branching enzyme 1; minus strand). Cytogenetic location: 3p12.2.
Variant type: single nucleotide variant.
Coding change: c.1237-18C>T on transcript NM_000158.4 (MANE Select); 18 bases into the intron before coding-DNA position 1237, C replaced by T.
Molecular consequence: intron variant.
Genome position (GRCh38, 1-based): chr3:81,586,208, G>A on the plus strand (C>T on the coding strand, the complement: GBE1 is on the minus strand). VCF-style: chr3-81586208-G-A. GRCh37 (hg19) VCF-style: chr3-81635359-G-A.
Identifiers: ClinVar variation 387970 (VCV000387970.11), dbSNP rs368966861, ClinGen allele CA2499736.
Genomic context (GRCh38, chr3:81,586,208, plus strand): 5'-CCTGGGAAATTGGAGAGCACAGAGCTGGCATTCCTGATACATCCTACAACAAAGAACGTC[G>A]GTTCATAATGATCAAACTTTTAGTAAATATTCTGACTGTAAAGCCCAGGTCAATAAATGA-3'

ClinVar aggregate classification (germline): Likely benign. Review status: criteria provided, multiple submitters, no conflicts (2 of 4 stars). 4 submissions from 4 submitters: Likely benign (4). Last evaluated 2026-01-28.

Conditions:
Glycogen storage disease, type IV (GSD4). Also called: BRANCHER DEFICIENCY; GLYCOGENOSIS IV; GSD IV; AMYLOPECTINOSIS; ANDERSEN DISEASE; CIRRHOSIS, FAMILIAL, WITH DEPOSITION OF ABNORMAL GLYCOGEN. Identifiers: Orphanet 367, MedGen C0017923, MONDO:0009292, OMIM 232500.
Glycogen storage disease IV, classic hepatic. Also called: GSD IV, CLASSIC HEPATIC. Identifiers: MedGen C1856301.

Allele frequency attached by ClinVar (database versions not stated): ExAC 0.00039; 1000 Genomes Project 0.00040; gnomAD exomes 0.00048; gnomAD 0.00057 and 0.00058; TOPMed 0.00057; ESP Exome Variant Server 0.00059; 1000 Genomes Project 30x 0.00062.
gnomAD v4.1: 617 of 1,465,962 alleles (0.042%); highest among the groups gnomAD compares: African/African-American, 0.16%; 1 homozygote.

Submissions (4):

Labcorp Genetics (formerly Invitae), Labcorp
Classification: Likely benign for Glycogen storage disease, type IV; Glycogen storage disease IV, classic hepatic. Last evaluated: 2026-01-28. Review status: criteria provided, single submitter. Criteria: Invitae Variant Classification Sherloc (09022015). Collection method: clinical testing. Allele origin: germline.

Blueprint Genetics
Classification: Likely benign. Last evaluated: 2024-11-08. Review status: criteria provided, single submitter. Criteria: ACMG Guidelines, 2015. Collection method: clinical testing. Allele origin: germline.

Women's Health and Genetics/Laboratory Corporation of America, LabCorp
Classification: Likely benign. Last evaluated: 2024-01-18. Review status: criteria provided, single submitter. Criteria: LabCorp Variant Classification Summary - May 2015. Collection method: clinical testing. Allele origin: germline.

GeneDx
Classification: Likely benign. Last evaluated: 2016-08-08. Review status: criteria provided, single submitter. Criteria: GeneDx Variant Classification (06012015). Collection method: clinical testing. Allele origin: germline. Affected: yes.
Comment: This variant is considered likely benign or benign based on one or more of the following criteria: it is a conservative change, it occurs at a poorly conserved position in the protein, it is predicted to be benign by multiple in silico algorithms, and/or has population frequency not consistent with disease.